The following is an entry in ClinVar:

ClinVar aggregate classification (germline): Likely benign. Review status: criteria provided, multiple submitters, no conflicts (2 of 4 stars). 4 submissions from 4 submitters: Likely benign (4). Last evaluated 2026-01-22.

Conditions:
Dilated cardiomyopathy 1G (CMD1G). Identifiers: Orphanet 154, MedGen C1858763, MONDO:0011400, OMIM 604145.
Autosomal recessive limb-girdle muscular dystrophy type 2J (LGMDR10). Also called: Limb-girdle muscular dystrophy, type 2J; MUSCULAR DYSTROPHY, LIMB-GIRDLE, AUTOSOMAL RECESSIVE 10. Identifiers: Orphanet 140922, MedGen C1837342, MONDO:0012127, OMIM 608807.
Cardiovascular phenotype. Identifiers: MedGen CN230736.

Allele frequency attached by ClinVar (database versions not stated): gnomAD 0.00001; gnomAD exomes 0.00002 and 0.00004; TOPMed 0.00002; ExAC 0.00005; 1000 Genomes Project 30x 0.00016; 1000 Genomes Project 0.00020.
gnomAD v4.1: 34 of 1,613,382 alleles (0.0021%); highest among the groups gnomAD compares: East Asian, 0.016%; no homozygotes.

Submissions (4):

Labcorp Genetics (formerly Invitae), Labcorp
Classification: Likely benign for Dilated cardiomyopathy 1G; Autosomal recessive limb-girdle muscular dystrophy type 2J. Last evaluated: 2026-01-22. Review status: criteria provided, single submitter. Criteria: Invitae Variant Classification Sherloc (09022015). Collection method: clinical testing. Allele origin: germline.

Women's Health and Genetics/Laboratory Corporation of America, LabCorp
Classification: Likely benign. Last evaluated: 2025-06-16. Review status: criteria provided, single submitter. Criteria: LabCorp Variant Classification Summary - May 2015. Collection method: clinical testing. Allele origin: germline.

Ambry Genetics
Classification: Likely benign for Cardiovascular phenotype. Last evaluated: 2022-02-17. Review status: criteria provided, single submitter. Criteria: Ambry Variant Classification Scheme 2023. Collection method: clinical testing. Allele origin: germline.

GeneDx
Classification: Likely benign. Last evaluated: 2017-02-28. Review status: criteria provided, single submitter. Criteria: GeneDx Variant Classification (06012015). Collection method: clinical testing. Allele origin: germline. Affected: yes.
Comment: This variant is considered likely benign or benign based on one or more of the following criteria: it is a conservative change, it occurs at a poorly conserved position in the protein, it is predicted to be benign by multiple in silico algorithms, and/or has population frequency not consistent with disease.

NM_001267550.2(TTN):c.77901C>T (p.Ala25967=)

Genes: TTN (titin; minus strand), TTN-AS1 (TTN antisense RNA 1; plus strand). Cytogenetic location: 2q31.2.
Variant type: single nucleotide variant.
Coding change: c.77901C>T on transcript NM_001267550.2 (MANE Select); coding-DNA position 77901, C replaced by T.
Protein change: p.Ala25967=; no amino-acid change (alanine 25967 retained).
Molecular consequence: synonymous variant.
Genome position (GRCh38, 1-based): chr2:178,568,231, G>A on the plus strand (C>T on the coding strand, the complement: TTN is on the minus strand). VCF-style: chr2-178568231-G-A. GRCh37 (hg19) VCF-style: chr2-179432958-G-A.
Other names: c.72978C>T, p.Ala24326= (NM_001256850.1); c.50706C>T, p.Ala16902= (NM_003319.4); c.70197C>T, p.Ala23399= (NM_133378.4); c.51081C>T, p.Ala17027= (NM_133432.3); c.51282C>T, p.Ala17094= (NM_133437.4).
Identifiers: ClinVar variation 507697 (VCV000507697.15), dbSNP rs531679006, ClinGen allele CA1989695.